The following is an entry in ClinVar:

NM_144997.7(FLCN):c.249+4A>G

Gene: FLCN (folliculin; minus strand). Cytogenetic location: 17p11.2.
Variant type: single nucleotide variant.
Coding change: c.249+4A>G on transcript NM_144997.7 (MANE Select); 4 bases into the intron after coding-DNA position 249, A replaced by G.
Molecular consequence: intron variant.
Genome position (GRCh38, 1-based): chr17:17,227,885, T>C on the plus strand (A>G on the coding strand, the complement: FLCN is on the minus strand). VCF-style: chr17-17227885-T-C. GRCh37 (hg19) VCF-style: chr17-17131199-T-C.
Other names: c.249+4A>G (LRG_325t1, NM_001353231.2, NM_001353230.2 and 3 more transcripts).
Identifiers: ClinVar variation 485581 (VCV000485581.19), dbSNP rs753648691, ClinGen allele CA8416484.

ClinVar aggregate classification (germline): Conflicting classifications of pathogenicity. Review status: criteria provided, conflicting classifications (1 of 4 stars). 6 submissions from 6 submitters: Uncertain significance (3); Likely benign (3). Last evaluated 2026-01-11.

Conditions:
Birt-Hogg-Dube syndrome. Also called: Birt Hogg Dubé syndrome. Identifiers: Orphanet 122, MedGen C0346010, MONDO:0800444.
Birt-Hogg-Dube syndrome 1 (BHD1). Also called: FIBROFOLLICULOMAS WITH TRICHODISCOMAS AND ACROCHORDONS. Identifiers: Orphanet 122, MedGen CN375946, MONDO:0800445, OMIM 135150.
Hereditary cancer-predisposing syndrome. Also called: Hereditary neoplastic syndrome; Neoplastic Syndromes, Hereditary; Tumor predisposition; Hereditary Cancer Syndrome. Identifiers: Orphanet 140162, MedGen C0027672, MeSH D009386, MONDO:0015356.

Allele frequency attached by ClinVar (database versions not stated): ExAC 0.00002; gnomAD 0.00002; TOPMed 0.00002; gnomAD exomes 0.00003 and 0.00004.
gnomAD v4.1: 64 of 1,613,956 alleles (0.004%); highest among the groups gnomAD compares: Non-Finnish European, 0.0053%; no homozygotes.

Submissions (6):

Labcorp Genetics (formerly Invitae), Labcorp
Classification: Likely benign for Birt-Hogg-Dube syndrome. Last evaluated: 2026-01-11. Review status: criteria provided, single submitter. Criteria: Invitae Variant Classification Sherloc (09022015). Collection method: clinical testing. Allele origin: germline.

Myriad Genetics, Inc.
Classification: Likely benign for Birt-Hogg-Dube syndrome 1. Last evaluated: 2024-10-22. Review status: criteria provided, single submitter. Criteria: Myriad Autosomal Dominant, Autosomal Recessive and X-Linked Classification Criteria (2023). Collection method: clinical testing. Allele origin: unknown.
Comment: This variant is considered likely benign. This variant is intronic and is not expected to impact mRNA splicing. This variant has been observed at a population frequency that is significantly greater than expected given the associated disease prevalence and penetrance.

Quest Diagnostics Nichols Institute San Juan Capistrano
Classification: Uncertain significance. Last evaluated: 2024-09-19. Review status: criteria provided, single submitter. Criteria: Quest Diagnostics criteria. Collection method: clinical testing. Allele origin: unknown.
Comment: The FLCN c.249+4A>G variant has not been reported in individuals with FLCN-related conditions in the published literature. The frequency of this variant in the general population, 0.000035 (4/113030 chromosomes (Genome Aggregation Database)), is uninformative in the assessment of its pathogenicity. Analysis of this variant using software algorithms for the prediction of the effect of nucleotide changes on FLCN mRNA splicing yielded predictions that this variant may result in the gain of a cryptic splice site without affecting the natural splice sites. Based on the available information, we are unable to determine the clinical significance of this variant.

GeneDx
Classification: Uncertain significance. Last evaluated: 2024-08-13. Review status: criteria provided, single submitter. Criteria: GeneDx Variant Classification Process June 2021. Collection method: clinical testing. Allele origin: germline. Affected: yes.
Comment: In silico analysis supports a deleterious effect on splicing; Has not been previously published as pathogenic or benign to our knowledge

Ambry Genetics
Classification: Likely benign for Hereditary cancer-predisposing syndrome. Last evaluated: 2023-06-06. Review status: criteria provided, single submitter. Criteria: Ambry Variant Classification Scheme 2023. Collection method: clinical testing. Allele origin: germline.

Baylor Genetics
Classification: Uncertain significance for Birt-Hogg-Dube syndrome 1. Last evaluated: 2022-07-25. Review status: criteria provided, single submitter. Criteria: ACMG Guidelines, 2015. Collection method: clinical testing. Allele origin: unknown.